The following is an entry in ClinVar:

NM_001081.4(CUBN):c.1719A>T (p.Leu573Phe)

Gene: CUBN (cubilin; minus strand). Cytogenetic location: 10p13.
Variant type: single nucleotide variant.
Coding change: c.1719A>T on transcript NM_001081.4 (MANE Select); coding-DNA position 1719, A replaced by T.
Protein change: p.Leu573Phe; replaces leucine 573 with phenylalanine.
Molecular consequence: missense variant.
Genome position (GRCh38, 1-based): chr10:17,100,051, T>A on the plus strand (A>T on the coding strand, the complement: CUBN is on the minus strand). VCF-style: chr10-17100051-T-A. GRCh37 (hg19) VCF-style: chr10-17142050-T-A.
Other names: short protein forms L573F.
Identifiers: ClinVar variation 811288 (VCV000811288.15), dbSNP rs148313915, ClinGen allele CA5425213.

ClinVar aggregate classification (germline): Uncertain significance. Review status: criteria provided, multiple submitters, no conflicts (2 of 4 stars). 4 submissions from 4 submitters: Uncertain significance (4). Last evaluated 2023-12-26.

Conditions:
Imerslund-Grasbeck syndrome. Also called: Imerslund-Gräsbeck syndrome; Megaloblastic anemia due to inborn errors of metabolism; ENTEROCYTE COBALAMIN MALABSORPTION; ENTEROCYTE INTRINSIC FACTOR RECEPTOR, DEFECT OF; PERNICIOUS ANEMIA, JUVENILE, DUE TO SELECTIVE INTESTINAL MALABSORPTION OF VITAMIN B12, WITH PROTEINURIA. Identifiers: Orphanet 35858, MedGen C4551825, MONDO:0009853.
Imerslund-Grasbeck syndrome type 1 (IGS1). Also called: Megaloblastic anemia 1, Finnish type; MEGALOBLASTIC ANEMIA, 1; Imerslund-Gräsbeck syndrome 1. Identifiers: MedGen C4016819, MONDO:0100156, OMIM 261100.
Proteinuria, chronic benign. Identifiers: MedGen C5394384, MONDO:0030042, OMIM 618884.
Inborn genetic diseases. Identifiers: MedGen C0950123, MeSH D030342.

Allele frequency attached by ClinVar (database versions not stated): gnomAD exomes 0.00006 and 0.00002; ExAC 0.00002; TOPMed 0.00006; gnomAD 0.00004.
gnomAD v4.1: 46 of 1,613,844 alleles (0.0029%); highest among the groups gnomAD compares: Non-Finnish European, 0.00085%; no homozygotes.

Submissions (4):

Fulgent Genetics
Classification: Uncertain significance for Imerslund-Grasbeck syndrome type 1; Proteinuria, chronic benign. Last evaluated: 2023-12-26. Review status: criteria provided, single submitter. Criteria: ACMG Guidelines, 2015. Collection method: clinical testing. Allele origin: germline.

Ambry Genetics
Classification: Uncertain significance for Inborn genetic diseases. Last evaluated: 2022-08-17. Review status: criteria provided, single submitter. Criteria: Ambry Variant Classification Scheme 2023. Collection method: clinical testing. Allele origin: germline.

ARUP Laboratories, Molecular Genetics and Genomics, ARUP Laboratories
Classification: Uncertain significance for Imerslund-Grasbeck syndrome type 1. Last evaluated: 2019-02-15. Review status: criteria provided, single submitter. Criteria: ARUP Molecular Germline Variant Investigation Process. Collection method: clinical testing. Allele origin: germline.
Comment: The CUBN c.1719A>T; p.Leu573Phe variant (rs148313915), to our knowledge, is not reported in the medical literature or gene specific databases. This variant is found in the Ashkenazi Jewish population with an overall allele frequency of 0.13% (13/10072 alleles) in the Genome Aggregation Database. The leucine at codon 573 is weakly conserved and computational analyses (SIFT, PolyPhen-2) predict that this variant is tolerated. However, due to limited information, the clinical significance of the p.Leu573Phe variant is uncertain at this time.

Illumina Laboratory Services, Illumina
Classification: Uncertain significance for Imerslund-Grasbeck syndrome type 1. Last evaluated: 2018-01-12. Review status: criteria provided, single submitter. Criteria: ICSL Variant Classification Criteria 13 December 2019. Collection method: clinical testing. Allele origin: germline.